The following is an entry in ClinVar:

ClinVar aggregate classification (germline): Uncertain significance (1 of 4 stars; one submission).

Conditions:
Glanzmann thrombasthenia. Also called: BLEEDING DISORDER, PLATELET-TYPE, 2; THROMBASTHENIA OF GLANZMANN AND NAEGELI; PLATELET GLYCOPROTEIN IIb-IIIa DEFICIENCY; Thrombasthenia; Glanzmann's thrombasthenia. Identifiers: Orphanet 849, MedGen C0040015, MONDO:0100326.

Submission:

Labcorp Genetics (formerly Invitae), Labcorp
Classification: Uncertain significance for Glanzmann thrombasthenia. Last evaluated: 2024-11-09. Review status: criteria provided, single submitter. Criteria: Invitae Variant Classification Sherloc (09022015). Collection method: clinical testing. Allele origin: germline.
Comment: This sequence change replaces histidine, which is basic and polar, with proline, which is neutral and non-polar, at codon 813 of the ITGA2B protein (p.His813Pro). This variant is not present in population databases (gnomAD no frequency). This variant has not been reported in the literature in individuals affected with ITGA2B-related conditions. Invitae Evidence Modeling of protein sequence and biophysical properties (such as structural, functional, and spatial information, amino acid conservation, physicochemical variation, residue mobility, and thermodynamic stability) indicates that this missense variant is expected to disrupt ITGA2B protein function with a positive predictive value of 95%. In summary, the available evidence is currently insufficient to determine the role of this variant in disease. Therefore, it has been classified as a Variant of Uncertain Significance.

NM_000419.5(ITGA2B):c.2438A>C (p.His813Pro)

Gene: ITGA2B (integrin subunit alpha 2b; minus strand). Cytogenetic location: 17q21.31.
Variant type: single nucleotide variant.
Coding change: c.2438A>C on transcript NM_000419.5 (MANE Select); coding-DNA position 2438, A replaced by C.
Protein change: p.His813Pro; replaces histidine 813 with proline.
Molecular consequence: missense variant.
Genome position (GRCh38, 1-based): chr17:44,376,095, T>G on the plus strand (A>C on the coding strand, the complement: ITGA2B is on the minus strand). VCF-style: chr17-44376095-T-G. GRCh37 (hg19) VCF-style: chr17-42453463-T-G.
Other names: short protein forms H813P.
Identifiers: ClinVar variation 3720705 (VCV003720705.2).